The following is an entry in ClinVar:

ClinVar aggregate classification (germline): Uncertain significance (1 of 4 stars; one submission).

Submission:

Labcorp Genetics (formerly Invitae), Labcorp
Classification: Uncertain significance. Last evaluated: 2022-10-21. Review status: criteria provided, single submitter. Criteria: Invitae Variant Classification Sherloc (09022015). Collection method: clinical testing. Allele origin: germline.
Comment: This sequence change replaces proline, which is neutral and non-polar, with threonine, which is neutral and polar, at codon 703 of the POLE protein (p.Pro703Thr). This variant is not present in population databases (gnomAD no frequency). This variant has not been reported in the literature in individuals affected with POLE-related conditions. Advanced modeling of protein sequence and biophysical properties (such as structural, functional, and spatial information, amino acid conservation, physicochemical variation, residue mobility, and thermodynamic stability) performed at Invitae indicates that this missense variant is not expected to disrupt POLE protein function. In summary, the available evidence is currently insufficient to determine the role of this variant in disease. Therefore, it has been classified as a Variant of Uncertain Significance.

NM_006231.4(POLE):c.2107C>A (p.Pro703Thr)

Gene: POLE (DNA polymerase epsilon, catalytic subunit; minus strand). Cytogenetic location: 12q24.33.
Variant type: single nucleotide variant.
Coding change: c.2107C>A on transcript NM_006231.4 (MANE Select); coding-DNA position 2107, C replaced by A.
Protein change: p.Pro703Thr; replaces proline 703 with threonine.
Molecular consequence: missense variant.
Genome position (GRCh38, 1-based): chr12:132,668,422, G>T on the plus strand (C>A on the coding strand, the complement: POLE is on the minus strand). VCF-style: chr12-132668422-G-T. GRCh37 (hg19) VCF-style: chr12-133245008-G-T.
Other names: short protein forms P703T.
Identifiers: ClinVar variation 2809264 (VCV002809264.3), dbSNP rs2135975315, ClinGen allele CA387353930.